The following is an entry in ClinVar:

NM_001943.5(DSG2):c.168G>A (p.Val56=)

Gene: DSG2 (desmoglein 2; plus strand). Cytogenetic location: 18q12.1.
Variant type: single nucleotide variant.
Coding change: c.168G>A on transcript NM_001943.5 (MANE Select); coding-DNA position 168, G replaced by A.
Protein change: p.Val56=; no amino-acid change (valine 56 retained).
Molecular consequence: synonymous variant.
Genome position (GRCh38, 1-based): chr18:31,519,889, G>A. VCF-style: chr18-31519889-G-A. GRCh37 (hg19) VCF-style: chr18-29099852-G-A.
Identifiers: ClinVar variation 3070116 (VCV003070116.2), dbSNP rs1165258374, ClinGen allele CA503596807.

ClinVar aggregate classification (germline): Likely benign (1 of 4 stars; one submission).

Conditions:
Arrhythmogenic right ventricular cardiomyopathy (ARVD). Also called: Arrhythmogenic right ventricular dysplasia; Cardiomyopathy, ARVC; Arrhythmogenic cardiomyopathy; Arrhythmogenic Right Ventricular Cardiomyopathy (ARVC). Identifiers: Orphanet 247, MedGen C0349788, MeSH D019571, MONDO:0016587. Disease mechanism: loss of function. Inheritance: Various modes of inheritance.

Allele frequency attached by ClinVar (database versions not stated): gnomAD exomes below 0.00001; TOPMed below 0.00001.
gnomAD v4.1: 2 of 1,614,090 alleles (0.00012%); highest among the groups gnomAD compares: Non-Finnish European, 0.00017%; no homozygotes.

Submission:

All of Us Research Program, National Institutes of Health
Classification: Likely benign for Arrhythmogenic right ventricular cardiomyopathy. Last evaluated: 2024-05-14. Review status: criteria provided, single submitter. Criteria: ACMG Guidelines, 2015. Collection method: clinical testing. Allele origin: germline. Inheritance: Autosomal dominant inheritance. Observed: 2 variant alleles, 2 heterozygotes.
Comment: This study involves interpretation of variants in research participants for the purpose of population health screening. Participant phenotype was not available at the time of variant classification. Additional details can be found in publication PMID: 35346344, PMCID: PMC8962531